The following is an entry in ClinVar:

ClinVar aggregate classification (germline): Uncertain significance. Review status: criteria provided, multiple submitters, no conflicts (2 of 4 stars). 2 submissions from 2 submitters: Uncertain significance (2). Last evaluated 2022-11-08.

Conditions:
Inborn genetic diseases. Identifiers: MedGen C0950123, MeSH D030342.
Orthostatic hypotension 1 (ORTHYP1). Also called: Dopamine beta-hydroxylase deficiency; NORADRENALINE DEFICIENCY; NOREPINEPHRINE DEFICIENCY; Orthostatic hypotension 1, due to DBH deficiency. Identifiers: Orphanet 230, MedGen C4746777, MONDO:0009123, OMIM 223360.

Allele frequency attached by ClinVar (database versions not stated): gnomAD exomes below 0.00001; ExAC 0.00001; TOPMed 0.00001.
gnomAD v4.1: 6 of 1,598,746 alleles (0.00038%); highest among the groups gnomAD compares: Non-Finnish European, 0.00051%; no homozygotes.

Submissions (2):

Ambry Genetics
Classification: Uncertain significance for Inborn genetic diseases. Last evaluated: 2022-11-08. Review status: criteria provided, single submitter. Criteria: Ambry Variant Classification Scheme 2023. Collection method: clinical testing. Allele origin: germline.

Labcorp Genetics (formerly Invitae), Labcorp
Classification: Uncertain significance for Orthostatic hypotension 1. Last evaluated: 2022-05-30. Review status: criteria provided, single submitter. Criteria: Invitae Variant Classification Sherloc (09022015). Collection method: clinical testing. Allele origin: germline.
Comment: This sequence change replaces histidine, which is basic and polar, with arginine, which is basic and polar, at codon 443 of the DBH protein (p.His443Arg). The frequency data for this variant in the population databases is considered unreliable, as metrics indicate poor data quality at this position in the gnomAD database. This variant has not been reported in the literature in individuals affected with DBH-related conditions. Algorithms developed to predict the effect of missense changes on protein structure and function are either unavailable or do not agree on the potential impact of this missense change (SIFT: "Deleterious"; PolyPhen-2: "Possibly Damaging"; Align-GVGD: "Class C0"). In summary, the available evidence is currently insufficient to determine the role of this variant in disease. Therefore, it has been classified as a Variant of Uncertain Significance.

NM_000787.4(DBH):c.1328A>G (p.His443Arg)

Gene: DBH (dopamine beta-hydroxylase; plus strand). Cytogenetic location: 9q34.2.
Variant type: single nucleotide variant.
Coding change: c.1328A>G on transcript NM_000787.4 (MANE Select); coding-DNA position 1328, A replaced by G.
Protein change: p.His443Arg; replaces histidine 443 with arginine.
Molecular consequence: missense variant.
Genome position (GRCh38, 1-based): chr9:133,651,770, A>G. VCF-style: chr9-133651770-A-G. GRCh37 (hg19) VCF-style: chr9-136516892-A-G.
Other names: c.1328A>G (NM_000787.3); short protein forms H443R.
Identifiers: ClinVar variation 2163711 (VCV002163711.5), dbSNP rs763712823, ClinGen allele CA5313422.